The following is an entry in ClinVar:

ClinVar aggregate classification (germline): Uncertain significance. Review status: criteria provided, multiple submitters, no conflicts (2 of 4 stars). 4 submissions from 4 submitters: Uncertain significance (4). Last evaluated 2024-11-25.

Conditions:
Otofaciocervical syndrome 2 (OTFCS2). Also called: OTOFACIOCERVICAL SYNDROME 2, WITH T-CELL DEFICIENCY. Identifiers: MedGen C5442121, MONDO:0014254, OMIM 615560.
Inborn genetic diseases. Identifiers: MedGen C0950123, MeSH D030342.

Allele frequency attached by ClinVar (database versions not stated): gnomAD 0.00001; TOPMed 0.00001; gnomAD exomes 0.00002; ExAC 0.00004; 1000 Genomes Project 30x 0.00016; 1000 Genomes Project 0.00020.

Submissions (4):

Blueprint Genetics
Classification: Uncertain significance. Last evaluated: 2024-11-25. Review status: criteria provided, single submitter. Criteria: ACMG Guidelines, 2015. Collection method: clinical testing. Allele origin: germline.

Ambry Genetics
Classification: Uncertain significance for Inborn genetic diseases. Last evaluated: 2023-10-06. Review status: criteria provided, single submitter. Criteria: Ambry Variant Classification Scheme 2023. Collection method: clinical testing. Allele origin: germline.

GeneDx
Classification: Uncertain significance. Last evaluated: 2022-08-21. Review status: criteria provided, single submitter. Criteria: GeneDx Variant Classification Process June 2021. Collection method: clinical testing. Allele origin: germline. Affected: yes.
Comment: In silico analysis supports that this missense variant has a deleterious effect on protein structure/function; Has not been previously published as pathogenic or benign to our knowledge

Victorian Clinical Genetics Services, Murdoch Childrens Research Institute
Classification: Uncertain significance for Otofaciocervical syndrome 2. Last evaluated: 2020-10-19. Review status: criteria provided, single submitter. Criteria: ACMG Guidelines, 2015. Collection method: clinical testing. Allele origin: germline. Inheritance: Autosomal recessive inheritance. Affected: yes.
Comment: Based on the classification scheme VCGS_Germline_v1.1.1, this variant is classified as VUS – 3B. Following criteria are met: 0102 - Loss-of-function is a known mechanism of disease for this gene. (N) 0106 - This gene is known to be associated with autosomal recessive disease. (N) 0200 - Variant is predicted to result in a missense amino acid change from tryptophan to arginine (exon 3). (N) 0251 - Variant is heterozygous. (N) 0304 - Variant is present in gnomAD <0.01 for a recessive condition (9 heterozygotes, 0 homozygotes). (P) 0501 - Missense variant consistently predicted to be damaging by multiple in silico tools or highly conserved with a major amino acid change. (P) 0604 - Variant is not located in an established domain, motif, hotspot or informative constraint region. (N) 0705 - No comparable variants have previous evidence for pathogenicity. (N) 0807 - Variant has not previously been reported in a clinical context. (N) 0905 - No segregation evidence has been identified for this variant. (N) 1007 - No published functional evidence has been identified for this variant. (N) Legend: (P) - Pathogenic, (N) - Neutral, (B) - Benign

NM_001257096.2(PAX1):c.967T>C (p.Trp323Arg)

Gene: PAX1 (paired box 1; plus strand). Cytogenetic location: 20p11.22.
Variant type: single nucleotide variant.
Coding change: c.967T>C on transcript NM_001257096.2 (MANE Select); coding-DNA position 967, T replaced by C.
Protein change: p.Trp323Arg; replaces tryptophan 323 with arginine.
Molecular consequence: missense variant.
Genome position (GRCh38, 1-based): chr20:21,708,608, T>C. VCF-style: chr20-21708608-T-C. GRCh37 (hg19) VCF-style: chr20-21689246-T-C.
Other names: c.967T>C, p.Trp323Arg (NM_006192.5); c.967T>C (NM_006192.3); short protein forms W323R.
Identifiers: ClinVar variation 1806061 (VCV001806061.4), dbSNP rs531304721, ClinGen allele CA9786636.